The following is an entry in ClinVar:

NM_001103.4(ACTN2):c.-3G>T

Gene: ACTN2 (actinin alpha 2; plus strand). Cytogenetic location: 1q43.
Variant type: single nucleotide variant.
Coding change: c.-3G>T on transcript NM_001103.4 (MANE Select); 3 bases upstream of the start codon, G replaced by T.
Molecular consequence: 5 prime UTR variant.
Genome position (GRCh38, 1-based): chr1:236,686,671, G>T. VCF-style: chr1-236686671-G-T. GRCh37 (hg19) VCF-style: chr1-236849971-G-T.
Other names: c.-3G>T (NM_001278343.2); c.-824G>T (NM_001278344.2).
Identifiers: ClinVar variation 162723 (VCV000162723.16), dbSNP rs201920417, ClinGen allele CA175224.

ClinVar aggregate classification (germline): Conflicting classifications of pathogenicity. Review status: criteria provided, conflicting classifications (1 of 4 stars). 4 submissions from 4 submitters: Uncertain significance (1); Likely benign (3). Last evaluated 2024-10-03.

Conditions:
Cardiovascular phenotype. Identifiers: MedGen CN230736.
Cardiomyopathy (CMYO). Also called: Cardiomyopathies. Identifiers: Orphanet 167848, MedGen C0878544, MONDO:0004994, HP:0001638. Inheritance: Various modes of inheritance.

Allele frequency attached by ClinVar (database versions not stated): ESP Exome Variant Server 0.00008; ExAC 0.00009; TOPMed 0.00011; gnomAD exomes 0.00017; gnomAD 0.00009.
gnomAD v4.1: 139 of 1,555,236 alleles (0.0089%); highest among the groups gnomAD compares: Non-Finnish European, 0.00096%; no homozygotes.

Submissions (4):

GeneDx
Classification: Likely benign. Last evaluated: 2024-10-03. Review status: criteria provided, single submitter. Criteria: GeneDx Variant Classification Process June 2021. Collection method: clinical testing. Allele origin: germline. Affected: yes.
Comment: See Variant Classification Assertion Criteria.

CHEO Genetics Diagnostic Laboratory, Children's Hospital of Eastern Ontario
Classification: Likely benign for Cardiomyopathy. Last evaluated: 2020-12-11. Review status: criteria provided, single submitter. Criteria: ACMG Guidelines, 2015. Collection method: clinical testing. Allele origin: germline.

Ambry Genetics
Classification: Likely benign for Cardiovascular phenotype. Last evaluated: 2019-02-25. Review status: criteria provided, single submitter. Criteria: Ambry Variant Classification Scheme 2023. Collection method: clinical testing. Allele origin: germline.

Laboratory for Molecular Medicine, Mass General Brigham Personalized Medicine
Classification: Uncertain significance. Last evaluated: 2015-03-24. Review status: criteria provided, single submitter. Criteria: LMM Criteria. Collection method: clinical testing. Allele origin: germline. Observed: 3 variant alleles.
Comment: The c.-3G>T variant in ACTN2 has been previously identified by our laboratory in 2 Ashkenazi Jewish adults with HCM. It has also been identified in 10/64028 Eur opean chromosomes by the Exome Aggregation Consortium (ExAC; dbSNP rs201920417). This variant is located in the 5' UTR and is pa rt of the translation initiation (Kozak) sequence, but its effect on translation is unknown. In summary, the clinical significance of the c.-3G>T variant is unc ertain.